The following is an entry in ClinVar:

ClinVar aggregate classification (germline): Uncertain significance (1 of 4 stars; one submission).

Allele frequency attached by ClinVar (database versions not stated): gnomAD 0.00001.
gnomAD v4.1: 1 of 1,613,964 alleles (0.000062%); highest among the groups gnomAD compares: African/African-American, 0.0013%; no homozygotes.

Submission:

Labcorp Genetics (formerly Invitae), Labcorp
Classification: Uncertain significance. Last evaluated: 2021-12-29. Review status: criteria provided, single submitter. Criteria: Invitae Variant Classification Sherloc (09022015). Collection method: clinical testing. Allele origin: germline.
Comment: In summary, the available evidence is currently insufficient to determine the role of this variant in disease. Therefore, it has been classified as a Variant of Uncertain Significance. Algorithms developed to predict the effect of missense changes on protein structure and function (SIFT, PolyPhen-2, Align-GVGD) all suggest that this variant is likely to be tolerated. This variant has not been reported in the literature in individuals affected with TMEM107-related conditions. This variant is not present in population databases (gnomAD no frequency). This sequence change replaces valine, which is neutral and non-polar, with isoleucine, which is neutral and non-polar, at codon 121 of the TMEM107 protein (p.Val121Ile).

NM_183065.4(TMEM107):c.343G>A (p.Val115Ile)

Genes: TMEM107 (transmembrane protein 107; minus strand), LOC105371520 (uncharacterized LOC105371520; plus strand). Cytogenetic location: 17p13.1.
Variant type: single nucleotide variant.
Coding change: c.343G>A on transcript NM_183065.4 (MANE Select); coding-DNA position 343, G replaced by A.
Protein change: p.Val115Ile; replaces valine 115 with isoleucine.
Molecular consequence: missense variant. On other transcripts: intron variant (3).
Genome position (GRCh38, 1-based): chr17:8,174,530, C>T on the plus strand (G>A on the coding strand, the complement: TMEM107 is on the minus strand). VCF-style: chr17-8174530-C-T. GRCh37 (hg19) VCF-style: chr17-8077848-C-T.
Other names: c.361G>A, p.Val121Ile (NM_032354.5); c.156-258G>A (NM_001351280.2); c.332+11G>A (NM_001351279.2); c.350+11G>A (NM_001351278.2); short protein forms V121I, V115I.
Identifiers: ClinVar variation 2056782 (VCV002056782.4), dbSNP rs932085393, ClinGen allele CA287527348.
Genomic context (GRCh38, chr17:8,174,530, plus strand): 5'-TTTAGGGCCAACCTTCCTCCCTCATCCCCAAATATTGGATGCTACCACACCTGCAGAAGA[C>T]AAAAATGTACCAATACGTAGTGCACTCCCAACGCTCGAATATGAAGAAGGACAGGGCCAC-3'
Protein context (NP_898888.1, residues 105-125): WECTTYWYIF[Val115Ile]FCSALPAVTE